The following is an entry in ClinVar:

ClinVar aggregate classification (germline): Uncertain significance (1 of 4 stars; one submission).

Allele frequency attached by ClinVar (database versions not stated): ExAC 0.00001; gnomAD exomes 0.00001.
gnomAD v4.1: 9 of 1,614,192 alleles (0.00056%); highest among the groups gnomAD compares: South Asian, 0.0077%; no homozygotes.

Submission:

Labcorp Genetics (formerly Invitae), Labcorp
Classification: Uncertain significance. Last evaluated: 2020-12-03. Review status: criteria provided, single submitter. Criteria: Invitae Variant Classification Sherloc (09022015). Collection method: clinical testing. Allele origin: germline.
Comment: In summary, the available evidence is currently insufficient to determine the role of this variant in disease. Therefore, it has been classified as a Variant of Uncertain Significance. Algorithms developed to predict the effect of missense changes on protein structure and function (SIFT, PolyPhen-2, Align-GVGD) all suggest that this variant is likely to be tolerated, but these predictions have not been confirmed by published functional studies and their clinical significance is uncertain. This variant has not been reported in the literature in individuals with TUB-related conditions. This variant is present in population databases (rs759242756, ExAC 0.006%). This sequence change replaces aspartic acid with glutamic acid at codon 519 of the TUB protein (p.Asp519Glu). The aspartic acid residue is highly conserved and there is a small physicochemical difference between aspartic acid and glutamic acid.

NM_177972.3(TUB):c.1392C>G (p.Asp464Glu)

Genes: RIC3 (RIC3 acetylcholine receptor chaperone; minus strand), TUB (TUB bipartite transcription factor; plus strand). Cytogenetic location: 11p15.4.
Variant type: single nucleotide variant.
Coding change: c.1392C>G on transcript NM_177972.3 (MANE Select); coding-DNA position 1392, C replaced by G.
Protein change: p.Asp464Glu; replaces aspartic acid 464 with glutamic acid.
Molecular consequence: missense variant.
Genome position (GRCh38, 1-based): chr11:8,101,490, C>G. VCF-style: chr11-8101490-C-G. GRCh37 (hg19) VCF-style: chr11-8123037-C-G.
Other names: c.1557C>G, p.Asp519Glu (NM_003320.5); short protein forms D464E, D519E.
Identifiers: ClinVar variation 1427232 (VCV001427232.8), dbSNP rs759242756, ClinGen allele CA5871508.
Genomic context (GRCh38, chr11:8,101,490, plus strand): 5'-GGCTCTACCATTCCTGTCCTGTCCTTTTCTCTGTCTGTGCCTGTGCTTGGCCCCAGCGGA[C>G]TACATCGTGATGCAGTTTGGCCGGGTAGCAGAGGATGTGTTCACCATGGATTACAACTAC-3'
Protein context (NP_813977.1, residues 454-474): NFQIIHGNDP[Asp464Glu]YIVMQFGRVA